The following is an entry in ClinVar:

ClinVar aggregate classification (germline): Uncertain significance (1 of 4 stars; one submission).

Conditions:
Focal dermal hypoplasia (FDH). Also called: Goltz syndrome. Identifiers: Orphanet 2092, MedGen C0016395, MONDO:0010592, OMIM 305600.

Submission:

Neuberg Centre For Genomic Medicine, NCGM
Classification: Uncertain significance for Focal dermal hypoplasia. Review status: criteria provided, single submitter. Criteria: ACMG Guidelines, 2015. Collection method: clinical testing. Allele origin: germline. Inheritance: X-linked dominant inheritance. Affected: yes.
Comment: The observed missense c.1318T>C (p.Ser440Pro) variant in PORCN gene has not been reported previously as a pathogenic variant nor as a benign variant, to our knowledge. The p.Ser440Pro variant is absent in gnomAD Exomes. This variant has not been submitted to the ClinVar database. Multiple lines of computational evidence (Polyphen - Probably Damaging, SIFT - Damaging and MutationTaster - Disease causing) predict a damaging effect on protein structure and function for this variant. The reference amino acid of p.Ser440Pro in PORCN is predicted as conserved by GERP++ and PhyloP across 100 vertebrates. The amino acid Ser at position 440 is changed to a Pro changing protein sequence and it might alter its composition and physico-chemical properties. For these reasons, this variant has been classified as a Variant of Uncertain Significance (VUS).

NM_203475.3(PORCN):c.1318T>C (p.Ser440Pro)

Gene: PORCN (porcupine O-acyltransferase; plus strand). Cytogenetic location: Xp11.23.
Variant type: single nucleotide variant.
Coding change: c.1318T>C on transcript NM_203475.3 (MANE Select); coding-DNA position 1318, T replaced by C.
Protein change: p.Ser440Pro; replaces serine 440 with proline.
Molecular consequence: missense variant.
Genome position (GRCh38, 1-based): chrX:48,520,408, T>C. VCF-style: chrX-48520408-T-C. GRCh37 (hg19) VCF-style: chrX-48378796-T-C.
Other names: c.1072T>C, p.Ser358Pro (NM_001282167.2); c.1285T>C, p.Ser429Pro (NM_022825.4); c.1303T>C, p.Ser435Pro (NM_203473.3); c.1300T>C, p.Ser434Pro (NM_203474.1); short protein forms S358P, S429P, S434P, S435P, S440P.
Identifiers: ClinVar variation 3362817 (VCV003362817.3).